The following is an entry in ClinVar:

NM_015599.3(PGM3):c.136G>A (p.Ala46Thr)

Gene: PGM3 (phosphoglucomutase 3; minus strand). Cytogenetic location: 6q14.1.
Variant type: single nucleotide variant.
Coding change: c.136G>A on transcript NM_015599.3 (MANE Select); coding-DNA position 136, G replaced by A.
Protein change: p.Ala46Thr; replaces alanine 46 with threonine.
Molecular consequence: missense variant. On other transcripts: non-coding transcript variant (1), intron variant (1).
Genome position (GRCh38, 1-based): chr6:83,190,877, C>T on the plus strand (G>A on the coding strand, the complement: PGM3 is on the minus strand). VCF-style: chr6-83190877-C-T. GRCh37 (hg19) VCF-style: chr6-83900596-C-T.
Other names: c.220G>A, p.Ala74Thr (NM_001199917.2, NM_001367287.1); c.136G>A, p.Ala46Thr (NM_001199919.2, NM_001367286.1); c.-39-2079G>A (NM_001199918.2); short protein forms A46T, A74T.
Identifiers: ClinVar variation 1377752 (VCV001377752.8), dbSNP rs1181199519, ClinGen allele CA364853691.

ClinVar aggregate classification (germline): Uncertain significance (1 of 4 stars; one submission).

Conditions:
Immunodeficiency 23 (IMD23). Also called: IMMUNODEFICIENCY WITH HYPER IgE AND COGNITIVE IMPAIRMENT; IMMUNODEFICIENCY-VASCULITIS-MYOCLONUS SYNDROME. Identifiers: Orphanet 443811, MedGen C4014371, MONDO:0014353, OMIM 615816.

Allele frequency attached by ClinVar (database versions not stated): gnomAD exomes below 0.00001; gnomAD 0.00001; TOPMed 0.00001.
gnomAD v4.1: 3 of 1,613,970 alleles (0.00019%); highest among the groups gnomAD compares: African/African-American, 0.004%; no homozygotes.

Submission:

Labcorp Genetics (formerly Invitae), Labcorp
Classification: Uncertain significance for Immunodeficiency 23. Last evaluated: 2023-10-13. Review status: criteria provided, single submitter. Criteria: Invitae Variant Classification Sherloc (09022015). Collection method: clinical testing. Allele origin: germline.
Comment: This sequence change replaces alanine, which is neutral and non-polar, with threonine, which is neutral and polar, at codon 74 of the PGM3 protein (p.Ala74Thr). This variant is present in population databases (no rsID available, gnomAD 0.01%). This variant has not been reported in the literature in individuals affected with PGM3-related conditions. ClinVar contains an entry for this variant (Variation ID: 1377752). An algorithm developed to predict the effect of missense changes on protein structure and function (PolyPhen-2) suggests that this variant is likely to be disruptive. In summary, the available evidence is currently insufficient to determine the role of this variant in disease. Therefore, it has been classified as a Variant of Uncertain Significance.